The following is an entry in ClinVar:

NM_018344.6(SLC29A3):c.40A>G (p.Asn14Asp)

Gene: SLC29A3 (solute carrier family 29 member 3; plus strand). Cytogenetic location: 10q22.1.
Variant type: single nucleotide variant.
Coding change: c.40A>G on transcript NM_018344.6 (MANE Select); coding-DNA position 40, A replaced by G.
Protein change: p.Asn14Asp; replaces asparagine 14 with aspartic acid.
Molecular consequence: missense variant. On other transcripts: 5 prime UTR variant (1), non-coding transcript variant (2).
Genome position (GRCh38, 1-based): chr10:71,322,794, A>G. VCF-style: chr10-71322794-A-G. GRCh37 (hg19) VCF-style: chr10-73082551-A-G.
Other names: c.40A>G, p.Asn14Asp (NM_001174098.2); c.-195A>G (NM_001363518.2); short protein forms N14D.
Identifiers: ClinVar variation 536248 (VCV000536248.7), dbSNP rs541461094, ClinGen allele CA5542804.

ClinVar aggregate classification (germline): Uncertain significance. Review status: criteria provided, multiple submitters, no conflicts (2 of 4 stars). 3 submissions from 3 submitters: Uncertain significance (3). Last evaluated 2025-10-07.

Conditions:
H syndrome. Also called: HISTIOCYTOSIS AND LYMPHADENOPATHY WITH OR WITHOUT CUTANEOUS, CARDIAC, AND/OR ENDOCRINE FEATURES, JOINT CONTRACTURES, AND/OR DEAFNESS; HYPERPIGMENTATION, CUTANEOUS, WITH HYPERTRICHOSIS, HEPATOSPLENOMEGALY, HEART ANOMALIES, AND HYPOGONADISM WITH OR WITHOUT HEARING LOSS; PIGMENTED HYPERTRICHOSIS WITH INSULIN-DEPENDENT DIABETES MELLITUS; ROSAI-DORFMAN DISEASE, FAMILIAL; SINUS HISTIOCYTOSIS AND MASSIVE LYMPHADENOPATHY; Hyperpigmentation, Cutaneous, with Hypertrichosis, Hepatosplenomegaly, Heart Anomalies, Hearing Loss, and Hypogonadism. Identifiers: Orphanet 168569, MedGen C1864445, MONDO:0011273, OMIM 602782.
Inborn genetic diseases. Identifiers: MedGen C0950123, MeSH D030342.

Allele frequency attached by ClinVar (database versions not stated): ExAC 0.00005; TOPMed 0.00011; 1000 Genomes Project 30x 0.00031; 1000 Genomes Project 0.00040.
gnomAD v4.1: 55 of 1,614,076 alleles (0.0034%); highest among the groups gnomAD compares: African/African-American, 0.033%; no homozygotes.

Submissions (3):

Ambry Genetics
Classification: Uncertain significance for Inborn genetic diseases. Last evaluated: 2025-10-07. Review status: criteria provided, single submitter. Criteria: Ambry Variant Classification Scheme 2023. Collection method: clinical testing. Allele origin: germline.

Blueprint Genetics
Classification: Uncertain significance. Last evaluated: 2024-06-19. Review status: criteria provided, single submitter. Criteria: ACMG Guidelines, 2015. Collection method: clinical testing. Allele origin: germline.

Labcorp Genetics (formerly Invitae), Labcorp
Classification: Uncertain significance for H syndrome. Last evaluated: 2023-12-11. Review status: criteria provided, single submitter. Criteria: Invitae Variant Classification Sherloc (09022015). Collection method: clinical testing. Allele origin: germline.
Comment: This sequence change replaces asparagine, which is neutral and polar, with aspartic acid, which is acidic and polar, at codon 14 of the SLC29A3 protein (p.Asn14Asp). This variant is present in population databases (rs541461094, gnomAD 0.02%). This variant has not been reported in the literature in individuals affected with SLC29A3-related conditions. ClinVar contains an entry for this variant (Variation ID: 536248). Advanced modeling of protein sequence and biophysical properties (such as structural, functional, and spatial information, amino acid conservation, physicochemical variation, residue mobility, and thermodynamic stability) performed at Invitae indicates that this missense variant is not expected to disrupt SLC29A3 protein function with a negative predictive value of 80%. In summary, the available evidence is currently insufficient to determine the role of this variant in disease. Therefore, it has been classified as a Variant of Uncertain Significance.